The following is an entry in ClinVar:

NM_013352.4(DSE):c.2146C>A (p.Arg716Ser)

Gene: DSE (dermatan sulfate epimerase; plus strand). Cytogenetic location: 6q22.1.
Variant type: single nucleotide variant.
Coding change: c.2146C>A on transcript NM_013352.4 (MANE Select); coding-DNA position 2146, C replaced by A.
Protein change: p.Arg716Ser; replaces arginine 716 with serine.
Molecular consequence: missense variant. On other transcripts: 3 prime UTR variant (2), non-coding transcript variant (1).
Genome position (GRCh38, 1-based): chr6:116,436,614, C>A. VCF-style: chr6-116436614-C-A. GRCh37 (hg19) VCF-style: chr6-116757777-C-A.
Other names: c.2146C>A, p.Arg716Ser (NM_001080976.3, NM_001322937.2, NM_001322938.2); c.2203C>A, p.Arg735Ser (NM_001322939.2); c.1585C>A, p.Arg529Ser (NM_001322940.2, NM_001322941.2); c.*1011C>A (NM_001322943.2, NM_001322944.2); c.1147C>A, p.Arg383Ser (NM_001374520.1); c.1111C>A, p.Arg371Ser (NM_001374521.1); short protein forms R529S, R735S, R371S, R383S, R716S.
Identifiers: ClinVar variation 1361593 (VCV001361593.8), dbSNP rs762120249, ClinGen allele CA365406686.

ClinVar aggregate classification (germline): Uncertain significance (1 of 4 stars; one submission).

Conditions:
Ehlers-Danlos syndrome, musculocontractural type 2 (EDSMC2). Identifiers: Orphanet 2953, MedGen C3809845, MONDO:0014236, OMIM 615539.

gnomAD v4.1: 4 of 1,614,092 alleles (0.00025%); highest among the groups gnomAD compares: South Asian, 0.0044%; no homozygotes.

Submission:

Labcorp Genetics (formerly Invitae), Labcorp
Classification: Uncertain significance for Ehlers-Danlos syndrome, musculocontractural type 2. Last evaluated: 2021-06-16. Review status: criteria provided, single submitter. Criteria: Invitae Variant Classification Sherloc (09022015). Collection method: clinical testing. Allele origin: germline.
Comment: This sequence change replaces arginine with serine at codon 716 of the DSE protein (p.Arg716Ser). The arginine residue is weakly conserved and there is a moderate physicochemical difference between arginine and serine. In summary, the available evidence is currently insufficient to determine the role of this variant in disease. Therefore, it has been classified as a Variant of Uncertain Significance. Algorithms developed to predict the effect of missense changes on protein structure and function are either unavailable or do not agree on the potential impact of this missense change (SIFT: "Not Available"; PolyPhen-2: "Benign"; Align-GVGD: "Not Available"). This variant has not been reported in the literature in individuals with DSE-related conditions. This variant is not present in population databases (ExAC no frequency).